The following is an entry in ClinVar:

NM_003722.5(TP63):c.119T>G (p.Met40Arg)

Gene: TP63 (tumor protein p63; plus strand). Cytogenetic location: 3q28.
Variant type: single nucleotide variant.
Coding change: c.119T>G on transcript NM_003722.5 (MANE Select); coding-DNA position 119, T replaced by G.
Protein change: p.Met40Arg; replaces methionine 40 with arginine.
Molecular consequence: missense variant.
Genome position (GRCh38, 1-based): chr3:189,737,796, T>G. VCF-style: chr3-189737796-T-G. GRCh37 (hg19) VCF-style: chr3-189455585-T-G.
Other names: c.119T>G (NM_003722.4); c.119T>G, p.Met40Arg (NM_001114978.2, NM_001114979.2, NM_001329144.2 and 1 more transcripts); c.113T>G, p.Met38Arg (NM_001329964.2); short protein forms M40R, M38R.
Identifiers: ClinVar variation 2860480 (VCV002860480.4), dbSNP rs779859382, ClinGen allele CA355858892.

ClinVar aggregate classification (germline): Uncertain significance. Review status: criteria provided, single submitter (1 of 4 stars). 2 submissions from 2 submitters: Uncertain significance (1). 1 of the submissions does not count toward it. Last evaluated 2023-04-28.

Conditions:
TP63-related disorder. Also called: TP63-related condition; TP63-Related Disorders. Identifiers: MedGen CN380159.
TP63-Related Spectrum Disorders.

Submissions (2):

Labcorp Genetics (formerly Invitae), Labcorp
Classification: Uncertain significance. Last evaluated: 2023-04-28. Review status: criteria provided, single submitter. Criteria: Invitae Variant Classification Sherloc (09022015). Collection method: clinical testing. Allele origin: germline.
Comment: In summary, the available evidence is currently insufficient to determine the role of this variant in disease. Therefore, it has been classified as a Variant of Uncertain Significance. Advanced modeling of protein sequence and biophysical properties (such as structural, functional, and spatial information, amino acid conservation, physicochemical variation, residue mobility, and thermodynamic stability) has been performed at Invitae for this missense variant, however the output from this modeling did not meet the statistical confidence thresholds required to predict the impact of this variant on TP63 protein function. This variant has not been reported in the literature in individuals affected with TP63-related conditions. This variant is not present in population databases (gnomAD no frequency). This sequence change replaces methionine, which is neutral and non-polar, with arginine, which is basic and polar, at codon 40 of the TP63 protein (p.Met40Arg).

PreventionGenetics, part of Exact Sciences
Classification: Uncertain significance for TP63-related condition. Last evaluated: 2023-12-19. Review status: no assertion criteria provided. Collection method: clinical testing. Allele origin: germline. Not counted in ClinVar's aggregate classification.
Comment: The TP63 c.119T>G variant is predicted to result in the amino acid substitution p.Met40Arg. To our knowledge, this variant has not been reported in the literature or in a large population database, indicating this variant is rare. At this time, the clinical significance of this variant is uncertain due to the absence of conclusive functional and genetic evidence.